The following is an entry in ClinVar:

ClinVar aggregate classification (germline): Uncertain significance (1 of 4 stars; one submission).

Conditions:
SLC5A2-related disorder. Also called: SLC5A2-related condition.

gnomAD v4.1: 1 of 1,602,906 alleles (0.000062%); highest among the groups gnomAD compares: Admixed American, 0.0017%; no homozygotes.

Submission:

PreventionGenetics, part of Exact Sciences
Classification: Uncertain significance for SLC5A2-related condition. Last evaluated: 2025-01-07. Review status: criteria provided, single submitter. Criteria: ACMG Guidelines, 2015. Collection method: clinical testing. Allele origin: germline.
Comment: The SLC5A2 c.1360G>A variant is predicted to result in the amino acid substitution p.Asp454Asn. To our knowledge, this variant has not been reported in the literature or in a large population database (gnomAD), indicating this variant is rare. At this time, the clinical significance of this variant is uncertain due to the absence of conclusive functional and genetic evidence.

NM_003041.4(SLC5A2):c.1360G>A (p.Asp454Asn)

Gene: SLC5A2 (solute carrier family 5 member 2; plus strand). Cytogenetic location: 16p11.2.
Variant type: single nucleotide variant.
Coding change: c.1360G>A on transcript NM_003041.4 (MANE Select); coding-DNA position 1360, G replaced by A.
Protein change: p.Asp454Asn; replaces aspartic acid 454 with asparagine.
Molecular consequence: missense variant.
Genome position (GRCh38, 1-based): chr16:31,488,959, G>A. VCF-style: chr16-31488959-G-A. GRCh37 (hg19) VCF-style: chr16-31500280-G-A.
Other names: short protein forms D454N.
Identifiers: ClinVar variation 4984575 (VCV004984575.1).